The following is an entry in ClinVar:

NM_000038.6(APC):c.990G>T (p.Met330Ile)

Gene: APC (APC regulator of Wnt signaling pathway; plus strand). Cytogenetic location: 5q22.2.
Variant type: single nucleotide variant.
Coding change: c.990G>T on transcript NM_000038.6 (MANE Select); coding-DNA position 990, G replaced by T.
Protein change: p.Met330Ile; replaces methionine 330 with isoleucine.
Molecular consequence: missense variant. On other transcripts: intron variant (4).
Genome position (GRCh38, 1-based): chr5:112,819,022, G>T. VCF-style: chr5-112819022-G-T. GRCh37 (hg19) VCF-style: chr5-112154719-G-T.
Other names: c.990G>T, p.Met330Ile (NM_001127510.3, NM_001354895.2, NM_001354896.2); c.936G>T, p.Met312Ile (NM_001127511.3); c.1020G>T, p.Met340Ile (NM_001354897.2); c.915G>T, p.Met305Ile (NM_001354898.2); c.906G>T, p.Met302Ile (NM_001354899.2); c.813G>T, p.Met271Ile (NM_001354900.2, NM_001354901.2); c.141G>T, p.Met47Ile (NM_001354906.2); c.964-247G>T (NM_001354902.2); and 3 more; short protein forms M312I, M330I, M271I, M47I, M302I, M305I, M340I.
Identifiers: ClinVar variation 619611 (VCV000619611.20), dbSNP rs1561540673, ClinGen allele CA16023482.

ClinVar aggregate classification (germline): Uncertain significance. Review status: criteria provided, multiple submitters, no conflicts (2 of 4 stars). 4 submissions from 4 submitters: Uncertain significance (4). Last evaluated 2025-05-04.

Conditions:
Hereditary cancer-predisposing syndrome. Also called: Neoplastic Syndromes, Hereditary; Hereditary neoplastic syndrome; Tumor predisposition; Hereditary Cancer Syndrome. Identifiers: Orphanet 140162, MedGen C0027672, MeSH D009386, MONDO:0015356.
Familial adenomatous polyposis 1 (FAP1). Also called: FAMILIAL ADENOMATOUS POLYPOSIS 1, ATTENUATED; POLYPOSIS, ADENOMATOUS INTESTINAL. Identifiers: MedGen C2713442, MONDO:0021056, OMIM 175100. Disease mechanism: loss of function.

Allele frequency attached by ClinVar (database versions not stated): gnomAD exomes below 0.00001.
gnomAD v4.1: 2 of 1,614,046 alleles (0.00012%); highest among the groups gnomAD compares: Non-Finnish European, 0.00017%; no homozygotes.

Submissions (4):

Labcorp Genetics (formerly Invitae), Labcorp
Classification: Uncertain significance for Familial adenomatous polyposis 1. Last evaluated: 2025-05-04. Review status: criteria provided, single submitter. Criteria: Invitae Variant Classification Sherloc (09022015). Collection method: clinical testing. Allele origin: germline.
Comment: This sequence change replaces methionine, which is neutral and non-polar, with isoleucine, which is neutral and non-polar, at codon 330 of the APC protein (p.Met330Ile). This variant is not present in population databases (gnomAD no frequency). This variant has not been reported in the literature in individuals affected with APC-related conditions. ClinVar contains an entry for this variant (Variation ID: 619611). Invitae Evidence Modeling of protein sequence and biophysical properties (such as structural, functional, and spatial information, amino acid conservation, physicochemical variation, residue mobility, and thermodynamic stability) indicates that this missense variant is not expected to disrupt APC protein function with a negative predictive value of 95%. In summary, the available evidence is currently insufficient to determine the role of this variant in disease. Therefore, it has been classified as a Variant of Uncertain Significance.

Ambry Genetics
Classification: Uncertain significance for Hereditary cancer-predisposing syndrome. Last evaluated: 2024-12-05. Review status: criteria provided, single submitter. Criteria: Ambry Variant Classification Scheme 2023. Collection method: clinical testing. Allele origin: germline.
Comment: The p.M330I variant (also known as c.990G>T), located in coding exon 9 of the APC gene, results from a G to T substitution at nucleotide position 990. The methionine at codon 330 is replaced by isoleucine, an amino acid with highly similar properties. This amino acid position is highly conserved in available vertebrate species. Missense alterations in APC are not a common cause of disease (Spier I et al. Genet Med. 2024 Feb;26(2):100992). In addition, in silico predictors for this gene do not accurately predict pathogenicity. Since supporting evidence is limited at this time, the clinical significance of this alteration remains unclear.

Color Diagnostics, LLC DBA Color Health
Classification: Uncertain significance for Hereditary cancer-predisposing syndrome. Last evaluated: 2023-12-04. Review status: criteria provided, single submitter. Criteria: ACMG Guidelines, 2015. Collection method: clinical testing. Allele origin: germline.
Comment: This missense variant replaces methionine with isoleucine at codon 330 of the APC protein. Computational prediction suggests that this variant may have deleterious impact on protein structure and function (internally defined REVEL score threshold >= 0.7, PMID: 27666373). To our knowledge, functional studies have not been reported for this variant. This variant has not been reported in individuals affected with APC-related disorders in the literature. This variant has not been identified in the general population by the Genome Aggregation Database (gnomAD). The available evidence is insufficient to determine the role of this variant in disease conclusively. Therefore, this variant is classified as a Variant of Uncertain Significance.

Quest Diagnostics Nichols Institute San Juan Capistrano
Classification: Uncertain significance. Last evaluated: 2018-08-05. Review status: criteria provided, single submitter. Criteria: Quest Diagnostics criteria. Collection method: clinical testing. Allele origin: germline.